The following is an entry in ClinVar:

ClinVar aggregate classification (germline): Uncertain significance. Review status: criteria provided, multiple submitters, no conflicts (2 of 4 stars). 2 submissions from 2 submitters: Uncertain significance (2). Last evaluated 2021-08-26.

Conditions:
Cholestanol storage disease (CTX). Also called: Cerebrotendinous Xanthomatosis; CTX: Cerebrotendinous xanthomatosis; CEREBRAL CHOLESTERINOSIS. Identifiers: Orphanet 909, MedGen C0238052, MONDO:0008948, OMIM 213700.

Allele frequency attached by ClinVar (database versions not stated): gnomAD 0.00001; TOPMed 0.00003.
gnomAD v4.1: 2 of 1,614,088 alleles (0.00012%); highest among the groups gnomAD compares: African/African-American, 0.0027%; no homozygotes.

Submissions (2):

Labcorp Genetics (formerly Invitae), Labcorp
Classification: Uncertain significance for Cholestanol storage disease. Last evaluated: 2021-08-26. Review status: criteria provided, single submitter. Criteria: Invitae Variant Classification Sherloc (09022015). Collection method: clinical testing. Allele origin: germline.
Comment: This sequence change replaces proline with arginine at codon 518 of the CYP27A1 protein (p.Pro518Arg). The proline residue is moderately conserved and there is a moderate physicochemical difference between proline and arginine. This variant is not present in population databases (ExAC no frequency). This variant has not been reported in the literature in individuals affected with CYP27A1-related conditions. ClinVar contains an entry for this variant (Variation ID: 595295). Advanced modeling of protein sequence and biophysical properties (such as structural, functional, and spatial information, amino acid conservation, physicochemical variation, residue mobility, and thermodynamic stability) performed at Invitae indicates that this missense variant is expected to disrupt CYP27A1 protein function. In summary, the available evidence is currently insufficient to determine the role of this variant in disease. Therefore, it has been classified as a Variant of Uncertain Significance.

Eurofins Ntd Llc (ga)
Classification: Uncertain significance. Last evaluated: 2017-12-22. Review status: criteria provided, single submitter. Criteria: EGL Classification Definitions 2015. Collection method: clinical testing. Allele origin: germline. Observed: 1 variant allele, 1 heterozygote.

NM_000784.4(CYP27A1):c.1553C>G (p.Pro518Arg)

Gene: CYP27A1 (cytochrome P450 family 27 subfamily A member 1; plus strand). Cytogenetic location: 2q35.
Variant type: single nucleotide variant.
Coding change: c.1553C>G on transcript NM_000784.4 (MANE Select); coding-DNA position 1553, C replaced by G.
Protein change: p.Pro518Arg; replaces proline 518 with arginine.
Molecular consequence: missense variant.
Genome position (GRCh38, 1-based): chr2:218,814,987, C>G. VCF-style: chr2-218814987-C-G. GRCh37 (hg19) VCF-style: chr2-219679710-C-G.
Other names: short protein forms P518R.
Identifiers: ClinVar variation 595295 (VCV000595295.9), dbSNP rs143844199, ClinGen allele CA65835895.